The following is an entry in ClinVar:

ClinVar aggregate classification (germline): Uncertain significance. Review status: criteria provided, multiple submitters, no conflicts (2 of 4 stars). 4 submissions from 4 submitters: Uncertain significance (4). Last evaluated 2025-11-15.

Conditions:
Hereditary cancer-predisposing syndrome. Also called: Neoplastic Syndromes, Hereditary; Tumor predisposition; Hereditary neoplastic syndrome; Hereditary Cancer Syndrome. Identifiers: Orphanet 140162, MedGen C0027672, MeSH D009386, MONDO:0015356.
Colorectal cancer. Also called: Malignant Colorectal Neoplasm; Colorectal cancer, somatic. Identifiers: MedGen C0346629, MONDO:0005575, OMIM 114500.
Oligodontia-cancer predisposition syndrome. Also called: TOOTH AGENESIS-COLORECTAL CANCER SYNDROME. Identifiers: Orphanet 300576, MedGen C1837750, MONDO:0012075, OMIM 608615. Disease mechanism: loss of function.

Allele frequency attached by ClinVar (database versions not stated): gnomAD exomes below 0.00001.
gnomAD v4.1: 3 of 1,612,754 alleles (0.00019%); highest among the groups gnomAD compares: Non-Finnish European, 0.00017%; no homozygotes.

Submissions (4):

Labcorp Genetics (formerly Invitae), Labcorp
Classification: Uncertain significance for Oligodontia-cancer predisposition syndrome. Last evaluated: 2025-11-15. Review status: criteria provided, single submitter. Criteria: Invitae Variant Classification Sherloc (09022015). Collection method: clinical testing. Allele origin: germline.
Comment: This sequence change replaces glutamic acid, which is acidic and polar, with glycine, which is neutral and non-polar, at codon 706 of the AXIN2 protein (p.Glu706Gly). This variant is not present in population databases (gnomAD no frequency). This variant has not been reported in the literature in individuals affected with AXIN2-related conditions. ClinVar contains an entry for this variant (Variation ID: 663214). Invitae Evidence Modeling of protein sequence and biophysical properties (such as structural, functional, and spatial information, amino acid conservation, physicochemical variation, residue mobility, and thermodynamic stability) indicates that this missense variant is expected to disrupt AXIN2 protein function with a positive predictive value of 80%. In summary, the available evidence is currently insufficient to determine the role of this variant in disease. Therefore, it has been classified as a Variant of Uncertain Significance.

Ambry Genetics
Classification: Uncertain significance for Hereditary cancer-predisposing syndrome. Last evaluated: 2025-03-30. Review status: criteria provided, single submitter. Criteria: Ambry Variant Classification Scheme 2023. Collection method: clinical testing. Allele origin: germline.
Comment: The p.E706G variant (also known as c.2117A>G), located in coding exon 7 of the AXIN2 gene, results from an A to G substitution at nucleotide position 2117. The glutamic acid at codon 706 is replaced by glycine, an amino acid with similar properties. This amino acid position is highly conserved in available vertebrate species. In addition, the in silico prediction for this alteration is inconclusive. Since supporting evidence is limited at this time, the clinical significance of this alteration remains unclear.

Center for Genomic Medicine, Rigshospitalet, Copenhagen University Hospital
Classification: Uncertain significance. Last evaluated: 2025-03-04. Review status: criteria provided, single submitter. Criteria: ACMG Guidelines, 2015. Collection method: clinical testing. Allele origin: germline.

Baylor Genetics
Classification: Uncertain significance for Colorectal cancer. Last evaluated: 2024-02-29. Review status: criteria provided, single submitter. Criteria: ACMG Guidelines, 2015. Collection method: clinical testing. Allele origin: unknown.

NM_004655.4(AXIN2):c.2117A>G (p.Glu706Gly)

Gene: AXIN2 (axin 2; minus strand). Cytogenetic location: 17q24.1.
Variant type: single nucleotide variant.
Coding change: c.2117A>G on transcript NM_004655.4 (MANE Select); coding-DNA position 2117, A replaced by G.
Protein change: p.Glu706Gly; replaces glutamic acid 706 with glycine.
Molecular consequence: missense variant.
Genome position (GRCh38, 1-based): chr17:65,536,344, T>C on the plus strand (A>G on the coding strand, the complement: AXIN2 is on the minus strand). VCF-style: chr17-65536344-T-C. GRCh37 (hg19) VCF-style: chr17-63532462-T-C.
Other names: c.2117A>G (LRG_296t1); c.1922A>G, p.Glu641Gly (NM_001363813.1); short protein forms E641G, E706G.
Identifiers: ClinVar variation 663214 (VCV000663214.20), dbSNP rs1598096605, ClinGen allele CA400675954.